The following is an entry in ClinVar:

ClinVar aggregate classification (germline): Uncertain significance (1 of 4 stars; one submission).

Conditions:
Left ventricular noncompaction 8 (LVNC8). Identifiers: Orphanet 154, Orphanet 54260, MedGen C3809288, MONDO:0014152, OMIM 615373.

gnomAD v4.1: 13 of 1,528,590 alleles (0.00085%); highest among the groups gnomAD compares: Non-Finnish European, 0.0011%; no homozygotes.

Submission:

Labcorp Genetics (formerly Invitae), Labcorp
Classification: Uncertain significance for Left ventricular noncompaction 8. Last evaluated: 2025-10-21. Review status: criteria provided, single submitter. Criteria: Invitae Variant Classification Sherloc (09022015). Collection method: clinical testing. Allele origin: germline.
Comment: This sequence change replaces proline, which is neutral and non-polar, with threonine, which is neutral and polar, at codon 822 of the PRDM16 protein (p.Pro822Thr). This variant is not present in population databases (gnomAD no frequency). This variant has not been reported in the literature in individuals affected with PRDM16-related conditions. An algorithm developed to predict the effect of missense changes on protein structure and function (PolyPhen-2) suggests that this variant is likely to be tolerated. In summary, the available evidence is currently insufficient to determine the role of this variant in disease. Therefore, it has been classified as a Variant of Uncertain Significance.

NM_022114.4(PRDM16):c.2464C>A (p.Pro822Thr)

Gene: PRDM16 (PR/SET domain 16; plus strand). Cytogenetic location: 1p36.32.
Variant type: single nucleotide variant.
Coding change: c.2464C>A on transcript NM_022114.4 (MANE Select); coding-DNA position 2464, C replaced by A.
Protein change: p.Pro822Thr; replaces proline 822 with threonine.
Molecular consequence: missense variant.
Genome position (GRCh38, 1-based): chr1:3,412,661, C>A. VCF-style: chr1-3412661-C-A. GRCh37 (hg19) VCF-style: chr1-3329225-C-A.
Other names: c.2464C>A, p.Pro822Thr (NM_199454.3); short protein forms P822T.
Identifiers: ClinVar variation 4770766 (VCV004770766.1).